The following is an entry in ClinVar:

NM_001367479.1(DNAH14):c.4508+1G>A

Gene: DNAH14 (dynein axonemal heavy chain 14; plus strand). Cytogenetic location: 1q42.12.
Variant type: single nucleotide variant.
Coding change: c.4508+1G>A on transcript NM_001367479.1 (MANE Select); the canonical splice donor site of the intron after coding-DNA position 4508, G replaced by A.
Molecular consequence: splice donor variant.
Genome position (GRCh38, 1-based): chr1:225,141,022, G>A. VCF-style: chr1-225141022-G-A. GRCh37 (hg19) VCF-style: chr1-225328724-G-A.
Identifiers: ClinVar variation 4075541 (VCV004075541.1).

ClinVar aggregate classification (germline): Uncertain significance (1 of 4 stars; one submission).

gnomAD v4.1: 7 of 1,535,036 alleles (0.00046%); highest among the groups gnomAD compares: African/African-American, 0.0069%; no homozygotes.

Submission:

GeneDx
Classification: Uncertain significance. Last evaluated: 2025-02-04. Review status: criteria provided, single submitter. Criteria: GeneDx Variant Classification Process June 2021. Collection method: clinical testing. Allele origin: germline. Affected: yes.
Comment: Canonical splice site variant with an unclear effect on protein function; Has not been previously published as pathogenic or benign to our knowledge